The following is an entry in ClinVar:

ClinVar aggregate classification (germline): Uncertain significance. Review status: criteria provided, multiple submitters, no conflicts (2 of 4 stars). 2 submissions from 2 submitters: Uncertain significance (2). Last evaluated 2024-12-04.

Conditions:
Multiple endocrine neoplasia, type 1 (MEN1). Also called: MEN I; WERMER SYNDROME; Endocrine adenomatosis multiple; MEN 1; MEA I. Identifiers: Orphanet 652, MedGen C0025267, MeSH D018761, MONDO:0007540, OMIM 131100.
Hereditary cancer-predisposing syndrome. Also called: Neoplastic Syndromes, Hereditary; Tumor predisposition; Hereditary neoplastic syndrome; Hereditary Cancer Syndrome. Identifiers: Orphanet 140162, MedGen C0027672, MeSH D009386, MONDO:0015356.

Allele frequency attached by ClinVar (database versions not stated): gnomAD exomes 0.00001.

Submissions (2):

Ambry Genetics
Classification: Uncertain significance for Hereditary cancer-predisposing syndrome. Last evaluated: 2024-12-04. Review status: criteria provided, single submitter. Criteria: Ambry Variant Classification Scheme 2023. Collection method: clinical testing. Allele origin: germline.
Comment: The p.P291A variant (also known as c.871C>G), located in coding exon 5 of the MEN1 gene, results from a C to G substitution at nucleotide position 871. The proline at codon 291 is replaced by alanine, an amino acid with highly similar properties. This amino acid position is well conserved in available vertebrate species. In addition, the in silico prediction for this alteration is inconclusive. Based on the available evidence, the clinical significance of this variant remains unclear.

Labcorp Genetics (formerly Invitae), Labcorp
Classification: Uncertain significance for Multiple endocrine neoplasia, type 1. Last evaluated: 2021-11-19. Review status: criteria provided, single submitter. Criteria: Invitae Variant Classification Sherloc (09022015). Collection method: clinical testing. Allele origin: germline.
Comment: In summary, the available evidence is currently insufficient to determine the role of this variant in disease. Therefore, it has been classified as a Variant of Uncertain Significance. Advanced modeling of protein sequence and biophysical properties (such as structural, functional, and spatial information, amino acid conservation, physicochemical variation, residue mobility, and thermodynamic stability) performed at Invitae indicates that this missense variant is expected to disrupt MEN1 protein function. This variant has not been reported in the literature in individuals affected with MEN1-related conditions. This variant is not present in population databases (gnomAD no frequency). This sequence change replaces proline, which is neutral and non-polar, with alanine, which is neutral and non-polar, at codon 291 of the MEN1 protein (p.Pro291Ala).

NM_001370259.2(MEN1):c.871C>G (p.Pro291Ala)

Gene: MEN1 (menin 1; minus strand). Cytogenetic location: 11q13.1.
Variant type: single nucleotide variant.
Coding change: c.871C>G on transcript NM_001370259.2 (MANE Select); coding-DNA position 871, C replaced by G.
Protein change: p.Pro291Ala; replaces proline 291 with alanine.
Molecular consequence: missense variant.
Genome position (GRCh38, 1-based): chr11:64,807,052, G>C on the plus strand (C>G on the coding strand, the complement: MEN1 is on the minus strand). VCF-style: chr11-64807052-G-C. GRCh37 (hg19) VCF-style: chr11-64574524-G-C.
Other names: c.886C>G, p.Pro296Ala (NM_000244.4, NM_130800.3, NM_130801.3 and 3 more transcripts); c.871C>G, p.Pro291Ala (NM_001370251.2, NM_001370260.2, NM_001370261.2 and 1 more transcripts); c.766C>G, p.Pro256Ala (NM_001370262.2, NM_001370263.2); c.871C>G (NM_130799.2); short protein forms P291A, P296A, P256A.
Identifiers: ClinVar variation 1489819 (VCV001489819.7), dbSNP rs1413160325, ClinGen allele CA381183560.